The following is an entry in ClinVar:

NM_005006.7(NDUFS1):c.966G>T (p.Ala322=)

Gene: NDUFS1 (NADH:ubiquinone oxidoreductase core subunit S1; minus strand). Cytogenetic location: 2q33.3.
Variant type: single nucleotide variant.
Coding change: c.966G>T on transcript NM_005006.7 (MANE Select); coding-DNA position 966, G replaced by T.
Protein change: p.Ala322=; no amino-acid change (alanine 322 retained).
Molecular consequence: synonymous variant.
Genome position (GRCh38, 1-based): chr2:206,144,039, C>A on the plus strand (G>T on the coding strand, the complement: NDUFS1 is on the minus strand). VCF-style: chr2-206144039-C-A. GRCh37 (hg19) VCF-style: chr2-207008763-C-A.
Other names: c.858G>T, p.Ala286= (NM_001199981.2); c.633G>T, p.Ala211= (NM_001199982.2); c.795G>T, p.Ala265= (NM_001199983.2); c.1008G>T, p.Ala336= (NM_001199984.2).
Identifiers: ClinVar variation 129696 (VCV000129696.26), dbSNP rs1127566, ClinGen allele CA153862.

ClinVar aggregate classification (germline): Benign. Review status: criteria provided, multiple submitters, no conflicts (2 of 4 stars). 10 submissions from 9 submitters: Benign (8). 2 of the submissions do not count toward it. Last evaluated 2026-02-03.

Conditions:
Leigh syndrome (NULS). Also called: Leigh Disease; Subacute necrotizing encephalopathy; Necrotizing encephalopathy infantile subacute of Leigh; Leigh's necrotizing encephalopathy; Leigh's disease; Leigh Syndrome (mtDNA deletion). Identifiers: Orphanet 506, MedGen C2931891, MONDO:0009723, OMIM 256000.
Mitochondrial complex I deficiency, nuclear type 1. Also called: NADH-COENZYME Q REDUCTASE DEFICIENCY; MITOCHONDRIAL NADH DEHYDROGENASE COMPONENT OF COMPLEX I, DEFICIENCY OF. Identifiers: MedGen C6022305, MONDO:0100224, OMIM 252010.
Mitochondrial complex I deficiency, nuclear type 5. Also called: Mitochondrial complex 1 deficiency, nuclear type 5. Identifiers: MedGen C4748754, MONDO:0032610, OMIM 618226.

Allele frequency attached by ClinVar (database versions not stated): 1000 Genomes Project 0.46226; 1000 Genomes Project 30x 0.47626; TOPMed 0.50640; ESP Exome Variant Server 0.50961.
gnomAD v4.1: 709,831 of 1,609,870 alleles (44%); highest among the groups gnomAD compares: African/African-American, 65%; 161,075 homozygotes.

Submissions (10):

Labcorp Genetics (formerly Invitae), Labcorp
Classification: Benign. Last evaluated: 2026-02-03. Review status: criteria provided, single submitter. Criteria: Invitae Variant Classification Sherloc (09022015). Collection method: clinical testing. Allele origin: germline.

Blueprint Genetics
Classification: Benign. Last evaluated: 2024-11-26. Review status: criteria provided, single submitter. Criteria: ACMG Guidelines, 2015. Collection method: clinical testing. Allele origin: germline.

Genome-Nilou Lab
Classification: Benign for Mitochondrial complex I deficiency, nuclear type 5. Last evaluated: 2021-09-05. Review status: criteria provided, single submitter. Criteria: ACMG Guidelines, 2015. Collection method: clinical testing. Allele origin: germline. Affected: no.

Illumina Laboratory Services, Illumina
Classification: Benign for Mitochondrial complex I deficiency, nuclear type 1. Last evaluated: 2018-01-13. Review status: criteria provided, single submitter. Criteria: ICSL Variant Classification Criteria 13 December 2019. Collection method: clinical testing. Allele origin: germline.
Comment: This variant was observed in the ICSL laboratory as part of a predisposition screen in an ostensibly healthy population. It had not been previously curated by ICSL or reported in the Human Gene Mutation Database (HGMD: prior to June 1st, 2018), and was therefore a candidate for classification through an automated scoring system. Utilizing variant allele frequency, disease prevalence and penetrance estimates, and inheritance mode, an automated score was calculated to assess if this variant is too frequent to cause the disease. Based on the score and internal cut-off values, a variant classified as benign is not then subjected to further curation. The score for this variant resulted in a classification of benign for this disease.

Illumina Laboratory Services, Illumina
Classification: Benign for Leigh syndrome. Last evaluated: 2018-01-13. Review status: criteria provided, single submitter. Criteria: ICSL Variant Classification Criteria 13 December 2019. Collection method: clinical testing. Allele origin: germline.
Comment: the same text as in the submission from Illumina Laboratory Services, Illumina above.

GeneDx
Classification: Benign. Last evaluated: 2015-03-03. Review status: criteria provided, single submitter. Criteria: GeneDx Variant Classification Process June 2021. Collection method: clinical testing. Allele origin: germline. Affected: yes.

Breakthrough Genomics
Classification: Benign. Review status: criteria provided, single submitter. Criteria: ACMG Guidelines, 2015. Collection method: not provided. Allele origin: germline. Inheritance: Autosomal recessive inheritance. Affected: yes.

PreventionGenetics, part of Exact Sciences
Classification: Benign. Review status: criteria provided, single submitter. Criteria: ACMG Guidelines, 2015. Collection method: clinical testing. Allele origin: germline.

Mayo Clinic Laboratories, Mayo Clinic
Classification: Benign. Last evaluated: 2016-02-22. Review status: no assertion criteria provided. Collection method: clinical testing. Allele origin: unknown. Not counted in ClinVar's aggregate classification.

Genetic Services Laboratory, University of Chicago
Classification: Likely benign for AllHighlyPenetrant. Review status: no assertion criteria provided. Collection method: clinical testing. Allele origin: germline. Inheritance: Autosomal recessive inheritance. Not counted in ClinVar's aggregate classification.
Comment: Likely benign based on allele frequency in 1000 Genomes Project or ESP global frequency and its presence in a patient with a rare or unrelated disease phenotype. NOT Sanger confirmed.